The following is an entry in ClinVar:

ClinVar aggregate classification (germline): Uncertain significance. Review status: criteria provided, multiple submitters, no conflicts (2 of 4 stars). 5 submissions from 5 submitters: Uncertain significance (4). 1 of the submissions does not count toward it. Last evaluated 2026-08-11.

Conditions:
Joubert syndrome. Also called: Familial aplasia of the vermis; JOUBERT-BOLTSHAUSER SYNDROME. Identifiers: Orphanet 475, MedGen C5979921, MONDO:0018772.
Nephronophthisis. Also called: Juvenile Nephronophthisis. Identifiers: Orphanet 655, MedGen C0687120, MONDO:0019005, HP:0000090.
Meckel-Gruber syndrome. Also called: DYSENCEPHALIA SPLANCHNOCYSTICA; GRUBER SYNDROME; Dysencephalia splachnocystica. Identifiers: Orphanet 564, MedGen C0265215, MONDO:0018921.
CEP290-related disorder. Also called: CEP290-related disorders; CEP290-related condition. Identifiers: MedGen CN239314.
Bardet-Biedl syndrome 14 (BBS14). Identifiers: Orphanet 110, MedGen C2673874, MONDO:0014442, OMIM 615991.
Meckel syndrome, type 4 (MKS4). Also called: MECKEL-GRUBER SYNDROME, TYPE 4. Identifiers: Orphanet 564, MedGen C1970161, MONDO:0012626, OMIM 611134.
Senior-Loken syndrome 6 (SLSN6). Identifiers: Orphanet 3156, MedGen C1857779, MONDO:0012433, OMIM 610189.
Leber congenital amaurosis 10 (LCA10). Identifiers: Orphanet 65, MedGen C1857821, MONDO:0012723, OMIM 611755.
Joubert syndrome 5 (JBTS5). Identifiers: Orphanet 2318, MedGen C1857780, MONDO:0012432, OMIM 610188.
Inborn genetic diseases. Identifiers: MedGen C0950123, MeSH D030342.
Leber congenital amaurosis (LCA). Also called: Leber's amaurosis. Identifiers: Orphanet 65, MedGen C0339527, MeSH D057130, MONDO:0018998.

Allele frequency attached by ClinVar (database versions not stated): gnomAD exomes 0.00003 and 0.00001; ExAC 0.00005; gnomAD 0.00006 and 0.00008; TOPMed 0.00008.

Submissions (5):

PreventionGenetics, part of Exact Sciences
Classification: Uncertain significance for CEP290-related condition. Last evaluated: 2026-08-11. Review status: criteria provided, single submitter. Criteria: ACMG Guidelines, 2015. Collection method: clinical testing. Allele origin: germline.
Comment: The CEP290 c.6986A>G variant is predicted to result in the amino acid substitution p.Glu2329Gly. To our knowledge, this variant has not been reported in the literature. This variant is reported in 0.033% of alleles in individuals of African descent in gnomAD. At this time, the clinical significance of this variant is uncertain due to the absence of conclusive functional and genetic evidence.

Labcorp Genetics (formerly Invitae), Labcorp
Classification: Uncertain significance for Joubert syndrome; Meckel-Gruber syndrome; Nephronophthisis. Last evaluated: 2024-02-24. Review status: criteria provided, single submitter. Criteria: Invitae Variant Classification Sherloc (09022015). Collection method: clinical testing. Allele origin: germline.
Comment: This sequence change replaces glutamic acid, which is acidic and polar, with glycine, which is neutral and non-polar, at codon 2329 of the CEP290 protein (p.Glu2329Gly). This variant is present in population databases (rs772648931, gnomAD 0.03%). This variant has not been reported in the literature in individuals affected with CEP290-related conditions. ClinVar contains an entry for this variant (Variation ID: 1037092). An algorithm developed to predict the effect of missense changes on protein structure and function (PolyPhen-2) suggests that this variant is likely to be tolerated. In summary, the available evidence is currently insufficient to determine the role of this variant in disease. Therefore, it has been classified as a Variant of Uncertain Significance.

Ambry Genetics
Classification: Uncertain significance for Inborn genetic diseases. Last evaluated: 2022-11-09. Review status: criteria provided, single submitter. Criteria: Ambry Variant Classification Scheme 2023. Collection method: clinical testing. Allele origin: germline.

Fulgent Genetics
Classification: Uncertain significance for Joubert syndrome 5; Senior-Loken syndrome 6; Meckel syndrome, type 4; Leber congenital amaurosis 10; Bardet-Biedl syndrome 14. Last evaluated: 2021-09-13. Review status: criteria provided, single submitter. Criteria: ACMG Guidelines, 2015. Collection method: clinical testing. Allele origin: unknown.

Natera, Inc.
Classification: Uncertain significance for Leber congenital amaurosis. Last evaluated: 2020-06-15. Review status: no assertion criteria provided. Collection method: clinical testing. Allele origin: germline. Not counted in ClinVar's aggregate classification.

NM_025114.4(CEP290):c.6986A>G (p.Glu2329Gly)

Gene: CEP290 (centrosomal protein 290; minus strand). Cytogenetic location: 12q21.32.
Variant type: single nucleotide variant.
Coding change: c.6986A>G on transcript NM_025114.4 (MANE Select); coding-DNA position 6986, A replaced by G.
Protein change: p.Glu2329Gly; replaces glutamic acid 2329 with glycine.
Molecular consequence: missense variant.
Genome position (GRCh38, 1-based): chr12:88,054,388, T>C on the plus strand (A>G on the coding strand, the complement: CEP290 is on the minus strand). VCF-style: chr12-88054388-T-C. GRCh37 (hg19) VCF-style: chr12-88448165-T-C.
Other names: c.6986A>G (NM_025114.3); short protein forms E2329G.
Identifiers: ClinVar variation 1037092 (VCV001037092.11), dbSNP rs772648931, ClinGen allele CA6711380.
Genomic context (GRCh38, chr12:88,054,388, plus strand): 5'-TACATGATGTACCTAAGAACTTGAAGCTCCCGTTTAAGGCCTTGCTCTGTCTCAGCACCT[T>C]CAGGAACATGTTTAAGAATCTTAATCTTTGAGGACAATGAAAAGTTAGAAGATAAGGTTT-3'
Protein context (NP_079390.3, residues 2319-2339): QQIKILKHVP[Glu2329Gly]GAETEQGLKR